The following is an entry in ClinVar:

ClinVar aggregate classification (germline): Pathogenic (1 of 4 stars; one submission).

Submission:

Illumina Laboratory Services, Illumina
Classification: Pathogenic. Last evaluated: 2019-06-21. Review status: criteria provided, single submitter. Criteria: ICSL CNVClassificationCriteria Jul2020Prior. Collection method: clinical testing. Allele origin: unknown.
Comment: This CNV is a 1.4 Mb duplication of 16p13.11 on chromosome 16, (seq[GRCh37]dup(16)(p13.11); chr16:g.14887031_16308753 dup), of unknown inheritance. This CNV constitutes a gain encompassing 24 genes. Recurrent duplications of the 16p13.11 region have been described in at least 45 individuals, with gains in this region of similar or smaller size observed in 35 individuals (Allach El Khattabi et al. 2018). This region is susceptible to rearrangements due to non-allelic homologous recombination. The phenotypes in affected individuals are varied and low penetrance has been noted, estimated at 8.4%; therefore, asymptomatic carriers have also been observed. Age at diagnosis also varies ranging from infancy to adulthood. Most individuals have intellectual disability, developmental delays, and autism spectrum disorder. Additional features may include congenital cardiac anomalies, seizures, feeding difficulties, and hypotonia. Cardiac features were noted in approximately 24% of cases (Allach El Khattabi et al. 2018). Based on collective evidence this CNV is classified as pathogenic.

Literature cited by the submitters: PubMed 21150890; PubMed 30287593.

GRCh37/hg19 16p13.11(chr16:14887031-16308753)x3

Genes: ABCC1 (ATP binding cassette subfamily C member 1 (ABCC1 blood group); plus strand), ABCC6 (ATP binding cassette subfamily C member 6; minus strand), CEP20 (centrosomal protein 20; minus strand), MARF1 (meiosis regulator and mRNA stability factor 1; minus strand), MPV17L (MPV17 mitochondrial inner membrane protein like; plus strand) and 9 more. Cytogenetic location: 16p13.11.
Variant type: copy number gain.
Change: copy number 3 (three copies instead of two) of chr16:14,887,031-16,308,753 (1.42 Mb, GRCh37 coordinates, 1-based), cytogenetic band 16p13.11.
Identifiers: ClinVar variation 1180507 (VCV001180507.4).